The following is an entry in ClinVar:

NM_144687.4(NLRP12):c.1028G>C (p.Arg343Pro)

Gene: NLRP12 (NLR family pyrin domain containing 12; minus strand). Cytogenetic location: 19q13.42.
Variant type: single nucleotide variant.
Coding change: c.1028G>C on transcript NM_144687.4 (MANE Select); coding-DNA position 1028, G replaced by C.
Protein change: p.Arg343Pro; replaces arginine 343 with proline.
Molecular consequence: missense variant.
Genome position (GRCh38, 1-based): chr19:53,810,631, C>G on the plus strand (G>C on the coding strand, the complement: NLRP12 is on the minus strand). VCF-style: chr19-53810631-C-G. GRCh37 (hg19) VCF-style: chr19-54313885-C-G.
Other names: c.1028G>C (NM_144687.2); c.1028G>C, p.Arg343Pro (NM_001277126.2, NM_001277129.1); short protein forms R343P.
Identifiers: ClinVar variation 2178570 (VCV002178570.5), dbSNP rs759054060, ClinGen allele CA407415131.

ClinVar aggregate classification (germline): Uncertain significance. Review status: criteria provided, multiple submitters, no conflicts (2 of 4 stars). 2 submissions from 2 submitters: Uncertain significance (2). Last evaluated 2023-10-06.

Conditions:
Inborn genetic diseases. Identifiers: MedGen C0950123, MeSH D030342.
Familial cold autoinflammatory syndrome 2 (FCAS2). Identifiers: Orphanet 247868, MedGen C2673198, MONDO:0012724, OMIM 611762.

Allele frequency attached by ClinVar (database versions not stated): TOPMed 0.00001.
gnomAD v4.1: 2 of 1,613,982 alleles (0.00012%); highest among the groups gnomAD compares: African/African-American, 0.0013%; no homozygotes.

Submissions (2):

Labcorp Genetics (formerly Invitae), Labcorp
Classification: Uncertain significance for Familial cold autoinflammatory syndrome 2. Last evaluated: 2023-10-06. Review status: criteria provided, single submitter. Criteria: Invitae Variant Classification Sherloc (09022015). Collection method: clinical testing. Allele origin: germline.
Comment: This sequence change replaces arginine, which is basic and polar, with proline, which is neutral and non-polar, at codon 343 of the NLRP12 protein (p.Arg343Pro). This variant is not present in population databases (gnomAD no frequency). This variant has not been reported in the literature in individuals affected with NLRP12-related conditions. ClinVar contains an entry for this variant (Variation ID: 2178570). Advanced modeling of protein sequence and biophysical properties (such as structural, functional, and spatial information, amino acid conservation, physicochemical variation, residue mobility, and thermodynamic stability) performed at Invitae indicates that this missense variant is expected to disrupt NLRP12 protein function. In summary, the available evidence is currently insufficient to determine the role of this variant in disease. Therefore, it has been classified as a Variant of Uncertain Significance.

Ambry Genetics
Classification: Uncertain significance for Inborn genetic diseases. Last evaluated: 2023-10-02. Review status: criteria provided, single submitter. Criteria: Ambry Variant Classification Scheme 2023. Collection method: clinical testing. Allele origin: germline.